The following is an entry in ClinVar:

ClinVar aggregate classification (germline): Uncertain significance (1 of 4 stars; one submission).

Allele frequency attached by ClinVar (database versions not stated): gnomAD exomes below 0.00001; ExAC 0.00001; gnomAD 0.00001; TOPMed 0.00001.
gnomAD v4.1: 8 of 1,614,060 alleles (0.0005%); highest among the groups gnomAD compares: East Asian, 0.0022%; no homozygotes.

Submission:

Labcorp Genetics (formerly Invitae), Labcorp
Classification: Uncertain significance. Last evaluated: 2024-04-10. Review status: criteria provided, single submitter. Criteria: Invitae Variant Classification Sherloc (09022015). Collection method: clinical testing. Allele origin: germline.
Comment: This sequence change replaces glutamine, which is neutral and polar, with arginine, which is basic and polar, at codon 3417 of the VPS13D protein (p.Gln3417Arg). This variant is present in population databases (rs757842783, gnomAD 0.006%). This variant has not been reported in the literature in individuals affected with VPS13D-related conditions. Advanced modeling of protein sequence and biophysical properties (such as structural, functional, and spatial information, amino acid conservation, physicochemical variation, residue mobility, and thermodynamic stability) performed at Invitae indicates that this missense variant is expected to disrupt VPS13D protein function with a positive predictive value of 80%. In summary, the available evidence is currently insufficient to determine the role of this variant in disease. Therefore, it has been classified as a Variant of Uncertain Significance.

NM_015378.4(VPS13D):c.10250A>G (p.Gln3417Arg)

Gene: VPS13D (vacuolar protein sorting 13 homolog D; plus strand). Cytogenetic location: 1p36.22.
Variant type: single nucleotide variant.
Coding change: c.10250A>G on transcript NM_015378.4 (MANE Select); coding-DNA position 10250, A replaced by G.
Protein change: p.Gln3417Arg; replaces glutamine 3417 with arginine.
Molecular consequence: missense variant.
Genome position (GRCh38, 1-based): chr1:12,362,828, A>G. VCF-style: chr1-12362828-A-G. GRCh37 (hg19) VCF-style: chr1-12422884-A-G.
Other names: c.10175A>G, p.Gln3392Arg (NM_018156.4); short protein forms Q3417R, Q3392R.
Identifiers: ClinVar variation 3003862 (VCV003003862.3), dbSNP rs757842783, ClinGen allele CA603636.